The following is an entry in ClinVar:

ClinVar aggregate classification (germline): Likely benign. Review status: criteria provided, multiple submitters, no conflicts (2 of 4 stars). 7 submissions from 7 submitters: Likely benign (5). 2 of the submissions do not count toward it. Last evaluated 2025-12-16.

Conditions:
Cardiovascular phenotype. Identifiers: MedGen CN230736.
Alstrom syndrome (ALMS). Identifiers: Orphanet 64, MedGen C0268425, MONDO:0008763, OMIM 203800.

Allele frequency attached by ClinVar (database versions not stated): gnomAD 0.00003; gnomAD exomes 0.00003 and 0.00005; ExAC 0.00005; TOPMed 0.00005.
gnomAD v4.1: 49 of 1,613,864 alleles (0.003%); highest among the groups gnomAD compares: East Asian, 0.11%; no homozygotes.

Submissions (7):

Labcorp Genetics (formerly Invitae), Labcorp
Classification: Likely benign for Alstrom syndrome. Last evaluated: 2025-12-16. Review status: criteria provided, single submitter. Criteria: Invitae Variant Classification Sherloc (09022015). Collection method: clinical testing. Allele origin: germline.

Blueprint Genetics
Classification: Likely benign. Last evaluated: 2021-06-25. Review status: criteria provided, single submitter. Criteria: ACMG Guidelines, 2015. Collection method: clinical testing. Allele origin: germline.

GeneDx
Classification: Likely benign. Last evaluated: 2021-04-01. Review status: criteria provided, single submitter. Criteria: GeneDx Variant Classification Process June 2021. Collection method: clinical testing. Allele origin: germline. Affected: yes.

Ambry Genetics
Classification: Likely benign for Cardiovascular phenotype. Last evaluated: 2019-08-10. Review status: criteria provided, single submitter. Criteria: Ambry Variant Classification Scheme 2023. Collection method: clinical testing. Allele origin: germline.

Laboratory for Molecular Medicine, Mass General Brigham Personalized Medicine
Classification: Likely benign. Last evaluated: 2017-08-23. Review status: criteria provided, single submitter. Criteria: LMM Criteria. Collection method: clinical testing. Allele origin: germline. Observed: 1 variant allele.
Comment: p.Pro700Pro in exon 8 of ALMS1: This variant is not expected to have clinical significance because it does not alter an amino acid residue and is not located within the splice consensus sequence. It has been identified in 0.07% (6/8626) of East Asian chromosomes by the Exome Aggregation Consortium (ExAC; dbSNP rs750362630).

Natera, Inc.
Classification: Likely benign for Alstrom syndrome. Last evaluated: 2019-10-28. Review status: no assertion criteria provided. Collection method: clinical testing. Allele origin: germline. Not counted in ClinVar's aggregate classification.

Counsyl
Classification: Uncertain significance for Alstrom syndrome. Last evaluated: 2017-02-01. Review status: no assertion criteria provided. Collection method: clinical testing. Allele origin: unknown. Not counted in ClinVar's aggregate classification.

NM_001378454.1(ALMS1):c.2103A>C (p.Pro701=)

Gene: ALMS1 (ALMS1 centrosome and basal body associated protein; plus strand). Cytogenetic location: 2p13.1.
Variant type: single nucleotide variant.
Coding change: c.2103A>C on transcript NM_001378454.1 (MANE Select); coding-DNA position 2103, A replaced by C.
Protein change: p.Pro701=; no amino-acid change (proline 701 retained).
Molecular consequence: synonymous variant.
Genome position (GRCh38, 1-based): chr2:73,448,630, A>C. VCF-style: chr2-73448630-A-C. GRCh37 (hg19) VCF-style: chr2-73675757-A-C.
Other names: c.2106A>C, p.Pro702= (NM_015120.4).
Identifiers: ClinVar variation 550584 (VCV000550584.23), dbSNP rs750362630, ClinGen allele CA1713278.